The following is an entry in ClinVar:

NM_147127.5(EVC2):c.1005+282G>A

Genes: EVC2 (EvC ciliary complex subunit 2; minus strand), LOC126806962 (BRD4-independent group 4 enhancer GRCh37_chr4:5666069-5667268; plus strand). Cytogenetic location: 4p16.2.
Variant type: single nucleotide variant.
Coding change: c.1005+282G>A on transcript NM_147127.5 (MANE Select); 282 bases into the intron after coding-DNA position 1005, G replaced by A.
Molecular consequence: intron variant.
Genome position (GRCh38, 1-based): chr4:5,665,233, C>T on the plus strand (G>A on the coding strand, the complement: EVC2 is on the minus strand). VCF-style: chr4-5665233-C-T. GRCh37 (hg19) VCF-style: chr4-5666960-C-T.
Other names: c.765+282G>A (NM_001166136.2).
Identifiers: ClinVar variation 667868 (VCV000667868.1), dbSNP rs56338596, ClinGen allele CA11634173.
Genomic context (GRCh38, chr4:5,665,233, plus strand): 5'-GTTGGTGTGTAGCTGCAGTCCCAGCTACCTGGAAGGCTGAAGCAGGAGGACTGCTTAAGC[C>T]CAGGAGTTCCAAGTTGTAACGTTCTGTGATTGTGCCTAGGAATCGCCACTGGACTCAGCC-3'

ClinVar aggregate classification (germline): Benign (1 of 4 stars; one submission).

Allele frequency attached by ClinVar (database versions not stated): 1000 Genomes Project 0.11242; 1000 Genomes Project 30x 0.11290; TOPMed 0.13077; gnomAD 0.13980 and 0.14202.
gnomAD v4.1: 21,200 of 151,958 alleles (14%); highest among the groups gnomAD compares: Non-Finnish European, 15%; 1,553 homozygotes.

Submission:

GeneDx
Classification: Benign. Last evaluated: 2018-06-19. Review status: criteria provided, single submitter. Criteria: GeneDx Variant Classification (06012015). Collection method: clinical testing. Allele origin: germline. Affected: yes.
Comment: This variant is considered likely benign or benign based on one or more of the following criteria: it is a conservative change, it occurs at a poorly conserved position in the protein, it is predicted to be benign by multiple in silico algorithms, and/or has population frequency not consistent with disease.